The following is an entry in ClinVar:

NM_000117.3(EMD):c.161C>G (p.Ser54Cys)

Gene: EMD (emerin; plus strand). Cytogenetic location: Xq28.
Variant type: single nucleotide variant.
Coding change: c.161C>G on transcript NM_000117.3 (MANE Select); coding-DNA position 161, C replaced by G.
Protein change: p.Ser54Cys; replaces serine 54 with cysteine.
Molecular consequence: missense variant.
Genome position (GRCh38, 1-based): chrX:154,379,768, C>G. VCF-style: chrX-154379768-C-G. GRCh37 (hg19) VCF-style: chrX-153608128-C-G.
Other names: short protein forms S54C.
Identifiers: ClinVar variation 4751371 (VCV004751371.1).
Genomic context (GRCh38, chrX:154,379,768, plus strand): 5'-ACGAGAAGAAGATCTTCGAGTACGAGACCCAGAGGCGGCGGCTCTCGCCCCCCAGCTCGT[C>G]CGCCGCCTCCTCTTATAGCTTCTCTGGTGAGAGCCTCGCCTGTGGGGACAGCCTGGGACG-3'
Protein context (NP_000108.1, residues 44-64): QRRRLSPPSS[Ser54Cys]AASSYSFSDL

ClinVar aggregate classification (germline): Uncertain significance (1 of 4 stars; one submission).

Conditions:
X-linked Emery-Dreifuss muscular dystrophy. Also called: Muscular dystrophy, tardive Emery-Dreifuss type, with contractures. Identifiers: Orphanet 261, Orphanet 98863, MedGen C0751337, MONDO:0010680.

Submission:

Labcorp Genetics (formerly Invitae), Labcorp
Classification: Uncertain significance for X-linked Emery-Dreifuss muscular dystrophy. Last evaluated: 2025-12-19. Review status: criteria provided, single submitter. Criteria: Invitae Variant Classification Sherloc (09022015). Collection method: clinical testing. Allele origin: germline.
Comment: This sequence change replaces serine, which is neutral and polar, with cysteine, which is neutral and slightly polar, at codon 54 of the EMD protein (p.Ser54Cys). This variant is present in population databases (rs782764813, gnomAD 0.01%), including at least one homozygous and/or hemizygous individual. This variant has not been reported in the literature in individuals affected with EMD-related conditions. Invitae Evidence Modeling of protein sequence and biophysical properties (such as structural, functional, and spatial information, amino acid conservation, physicochemical variation, residue mobility, and thermodynamic stability) indicates that this missense variant is expected to disrupt EMD protein function with a positive predictive value of 80%. In summary, the available evidence is currently insufficient to determine the role of this variant in disease. Therefore, it has been classified as a Variant of Uncertain Significance.